The following is an entry in ClinVar:

NM_002471.4(MYH6):c.3979-11C>G

Gene: MYH6 (myosin heavy chain 6; minus strand). Cytogenetic location: 14q11.2.
Variant type: single nucleotide variant.
Coding change: c.3979-11C>G on transcript NM_002471.4 (MANE Select); 11 bases into the intron before coding-DNA position 3979, C replaced by G.
Molecular consequence: intron variant.
Genome position (GRCh38, 1-based): chr14:23,389,066, G>C on the plus strand (C>G on the coding strand, the complement: MYH6 is on the minus strand). VCF-style: chr14-23389066-G-C. GRCh37 (hg19) VCF-style: chr14-23858275-G-C.
Identifiers: ClinVar variation 312857 (VCV000312857.32), dbSNP rs200618133, ClinGen allele CA7114978.

ClinVar aggregate classification (germline): Benign. Review status: criteria provided, multiple submitters, no conflicts (2 of 4 stars). 10 submissions from 10 submitters: Benign (5). 5 of the submissions do not count toward it. Last evaluated 2026-02-03.

Conditions:
Hypertrophic cardiomyopathy 14. Identifiers: MedGen C2750467, MONDO:0013197, OMIM 613251.

Allele frequency attached by ClinVar (database versions not stated): 1000 Genomes Project 0.02796; 1000 Genomes Project 30x 0.03029.

Submissions (10):

Labcorp Genetics (formerly Invitae), Labcorp
Classification: Benign for Hypertrophic cardiomyopathy 14. Last evaluated: 2026-02-03. Review status: criteria provided, single submitter. Criteria: Invitae Variant Classification Sherloc (09022015). Collection method: clinical testing. Allele origin: germline.

ARUP Laboratories, Molecular Genetics and Genomics, ARUP Laboratories
Classification: Benign. Last evaluated: 2025-05-20. Review status: criteria provided, single submitter. Criteria: ARUP Molecular Germline Variant Investigation Process 2024. Collection method: clinical testing. Allele origin: germline.

Women's Health and Genetics/Laboratory Corporation of America, LabCorp
Classification: Benign. Last evaluated: 2019-08-19. Review status: criteria provided, single submitter. Criteria: LabCorp Variant Classification Summary - May 2015. Collection method: clinical testing. Allele origin: germline.
Comment: Variant summary: MYH6 c.3979-11C>G alters a non-conserved nucleotide located close to a canonical splice site and therefore could affect mRNA splicing, leading to a significantly altered protein sequence. 5/5 computational tools predict no significant impact on normal splicing. However, these predictions have yet to be confirmed by functional studies. The variant allele was found at a frequency of 0.011 in 227636 control chromosomes in the gnomAD database, including 66 homozygotes. The observed variant frequency is approximately 400 fold of the estimated maximal expected allele frequency for a pathogenic variant in MYH6 causing Cardiomyopathy phenotype (2.5e-05), strongly suggesting that the variant is benign. The variant, c.3979-11C>G, has been reported in the literature in an individual affected with propionic academia and adult-onset dilated cardiomyopathy (Riemersma_2017), that was possibly a consequence of the patient's metabolic cardiomyopathy. Therefore this report does not support the association of the variant of interest with Cardiomyopathy. To our knowledge, no experimental evidence demonstrating an impact on protein function has been reported. Two submitters have provided clinical-significance assessments for this variant to ClinVar after 2014 without evidence for independent evaluation, and classified the variant as benign (1x) and likely benign (1x). Based on the evidence outlined above, the variant was classified as benign.

GeneDx
Classification: Benign. Last evaluated: 2016-10-05. Review status: criteria provided, single submitter. Criteria: GeneDx Variant Classification (06012015). Collection method: clinical testing. Allele origin: germline. Affected: yes.
Comment: This variant is considered likely benign or benign based on one or more of the following criteria: it is a conservative change, it occurs at a poorly conserved position in the protein, it is predicted to be benign by multiple in silico algorithms, and/or has population frequency not consistent with disease.

Breakthrough Genomics
Classification: Benign. Review status: criteria provided, single submitter. Criteria: ACMG Guidelines, 2015. Collection method: not provided. Allele origin: germline. Inheritance: Autosomal dominant inheritance. Affected: yes.

Clinical Genetics DNA and cytogenetics Diagnostics Lab, Erasmus MC, Erasmus Medical Center
Classification: Benign. Review status: no assertion criteria provided. Collection method: clinical testing. Allele origin: germline. Affected: yes. Study: VKGL Data-share Consensus. Not counted in ClinVar's aggregate classification.

Clinical Genetics, Academic Medical Center
Classification: Benign. Review status: no assertion criteria provided. Collection method: clinical testing. Allele origin: germline. Affected: yes. Study: VKGL Data-share Consensus. Not counted in ClinVar's aggregate classification.

Diagnostic Laboratory, Department of Genetics, University Medical Center Groningen
Classification: Likely benign. Review status: no assertion criteria provided. Collection method: clinical testing. Allele origin: germline. Affected: yes. Study: VKGL Data-share Consensus. Not counted in ClinVar's aggregate classification.

Genome Diagnostics Laboratory, University Medical Center Utrecht
Classification: Likely benign. Review status: no assertion criteria provided. Collection method: clinical testing. Allele origin: germline. Affected: yes. Study: VKGL Data-share Consensus. Not counted in ClinVar's aggregate classification.

Joint Genome Diagnostic Labs from Nijmegen and Maastricht, Radboudumc and MUMC+
Classification: Benign. Review status: no assertion criteria provided. Collection method: clinical testing. Allele origin: germline. Affected: yes. Study: VKGL Data-share Consensus. Not counted in ClinVar's aggregate classification.

Literature cited by the submitters: PubMed 28853722 (cited by Women's Health and Genetics/Laboratory Corporation of America, LabCorp).